The following is an entry in ClinVar:

ClinVar aggregate classification (germline): Conflicting classifications of pathogenicity. Review status: criteria provided, conflicting classifications (1 of 4 stars). 5 submissions from 4 submitters: Uncertain significance (3); Likely benign (2). Last evaluated 2025-12-27.

Conditions:
Familial hypobetalipoproteinemia 1. Also called: APOB-Related Familial Hypobetalipoproteinemia; Hypobetalipoproteinemia, normotriglyceridemic; Acanthocytosis with hypobetalipoproteinemia. Identifiers: MedGen C4551990, MONDO:0014252, OMIM 615558.
Cardiovascular phenotype. Identifiers: MedGen CN230736.
Hypercholesterolemia, autosomal dominant, type B (FHCL2). Also called: APOB-Related Familial Hypercholesterolemia, Autosomal Dominant; Hyperlipoproteinemia Type IIb; Familial Hypercholesterolemia Type B; APOLIPOPROTEIN B-100, FAMILIAL DEFECTIVE; APOLIPOPROTEIN B-100, FAMILIAL LIGAND-DEFECTIVE; Familial hypercholesterolemia 2. Identifiers: MedGen C1704417, MONDO:0007751, OMIM 144010.

Allele frequency attached by ClinVar (database versions not stated): 1000 Genomes Project 0.00020; gnomAD 0.00001 and 0.00002; TOPMed 0.00003; gnomAD exomes 0.00006 and 0.00007; ExAC 0.00010; 1000 Genomes Project 30x 0.00016.
gnomAD v4.1: 108 of 1,614,178 alleles (0.0067%); highest among the groups gnomAD compares: East Asian, 0.24%; no homozygotes.

Submissions (5):

Labcorp Genetics (formerly Invitae), Labcorp
Classification: Likely benign for Familial hypobetalipoproteinemia 1; Hypercholesterolemia, autosomal dominant, type B. Last evaluated: 2025-12-27. Review status: criteria provided, single submitter. Criteria: Invitae Variant Classification Sherloc (09022015). Collection method: clinical testing. Allele origin: germline.

Ambry Genetics
Classification: Likely benign for Cardiovascular phenotype. Last evaluated: 2022-12-07. Review status: criteria provided, single submitter. Criteria: Ambry Variant Classification Scheme 2023. Collection method: clinical testing. Allele origin: germline.

GeneDx
Classification: Uncertain significance. Last evaluated: 2019-10-08. Review status: criteria provided, single submitter. Criteria: GeneDx Variant Classification Process June 2021. Collection method: clinical testing. Allele origin: germline. Affected: yes.
Comment: Reported in ClinVar as a variant of uncertain significance (ClinVar Variant ID# 630339; Landrum et al., 2016); In silico analysis, which includes protein predictors and evolutionary conservation, supports that this variant does not alter protein structure/function; This variant is associated with the following publications: (PMID: 30420299, 29036232)

Illumina Laboratory Services, Illumina
Classification: Uncertain significance for Hypercholesterolemia, autosomal dominant, type B. Last evaluated: 2018-01-13. Review status: criteria provided, single submitter. Criteria: ICSL Variant Classification Criteria 13 December 2019. Collection method: clinical testing. Allele origin: germline.

Illumina Laboratory Services, Illumina
Classification: Uncertain significance for Familial hypobetalipoproteinemia 1. Last evaluated: 2018-01-13. Review status: criteria provided, single submitter. Criteria: ICSL Variant Classification Criteria 13 December 2019. Collection method: clinical testing. Allele origin: germline.

Literature cited by the submitters: PubMed 29036232 (cited by Ambry Genetics); PubMed 30420299 (cited by Ambry Genetics); PubMed 33020668 (cited by Ambry Genetics).

NM_000384.3(APOB):c.2398C>A (p.Leu800Met)

Gene: APOB (apolipoprotein B; minus strand). Cytogenetic location: 2p24.1.
Variant type: single nucleotide variant.
Coding change: c.2398C>A on transcript NM_000384.3 (MANE Select); coding-DNA position 2398, C replaced by A.
Protein change: p.Leu800Met; replaces leucine 800 with methionine.
Molecular consequence: missense variant.
Genome position (GRCh38, 1-based): chr2:21,024,971, G>T on the plus strand (C>A on the coding strand, the complement: APOB is on the minus strand). VCF-style: chr2-21024971-G-T. GRCh37 (hg19) VCF-style: chr2-21247843-G-T.
Other names: short protein forms L800M.
Identifiers: ClinVar variation 630339 (VCV000630339.18), dbSNP rs183950016, ClinGen allele CA056096.